The following is an entry in ClinVar:

ClinVar aggregate classification (germline): Uncertain significance (1 of 4 stars; one submission).

Conditions:
Cardiovascular phenotype. Identifiers: MedGen CN230736.

Allele frequency attached by ClinVar (database versions not stated): gnomAD exomes below 0.00001.
gnomAD v4.1: 3 of 1,614,086 alleles (0.00019%); highest among the groups gnomAD compares: Non-Finnish European, 0.00025%; no homozygotes.

Submission:

Ambry Genetics
Classification: Uncertain significance for Cardiovascular phenotype. Last evaluated: 2021-06-08. Review status: criteria provided, single submitter. Criteria: Ambry Variant Classification Scheme 2023. Collection method: clinical testing. Allele origin: germline.
Comment: The p.R445S variant (also known as c.1335A>C), located in coding exon 10 of the DSC2 gene, results from an A to C substitution at nucleotide position 1335. The arginine at codon 445 is replaced by serine, an amino acid with dissimilar properties. This amino acid position is poorly conserved in available vertebrate species. In addition, this alteration is predicted to be tolerated by in silico analysis. Since supporting evidence is limited at this time, the clinical significance of this alteration remains unclear.

NM_024422.6(DSC2):c.1335A>C (p.Arg445Ser)

Gene: DSC2 (desmocollin 2; minus strand). Cytogenetic location: 18q12.1.
Variant type: single nucleotide variant.
Coding change: c.1335A>C on transcript NM_024422.6 (MANE Select); coding-DNA position 1335, A replaced by C.
Protein change: p.Arg445Ser; replaces arginine 445 with serine.
Molecular consequence: missense variant.
Genome position (GRCh38, 1-based): chr18:31,080,281, T>G on the plus strand (A>C on the coding strand, the complement: DSC2 is on the minus strand). VCF-style: chr18-31080281-T-G. GRCh37 (hg19) VCF-style: chr18-28660247-T-G.
Other names: c.906A>C, p.Arg302Ser (NM_001406506.1, NM_001406507.1); c.1335A>C, p.Arg445Ser (NM_004949.5); short protein forms R302S, R445S.
Identifiers: ClinVar variation 1770219 (VCV001770219.2), dbSNP rs2510947116, ClinGen allele CA402108725.